The following is an entry in ClinVar:

ClinVar aggregate classification (germline): Likely pathogenic (1 of 4 stars; one submission).

Conditions:
ACTH-independent macronodular adrenal hyperplasia 2. Also called: PRIMARY MACRONODULAR ADRENAL HYPERPLASIA. Identifiers: Orphanet 189427, MedGen C4014803, MONDO:0014416, OMIM 615954.

Submission:

3billion
Classification: Likely pathogenic for ACTH-independent macronodular adrenal hyperplasia 2. Last evaluated: 2025-06-11. Review status: criteria provided, single submitter. Criteria: ACMG Guidelines, 2015. Collection method: clinical testing. Allele origin: germline. Affected: yes.
Comment: The variant is not observed in the gnomAD v4.1.0 dataset. Predicted Consequence/Location: Frameshift: predicted to result in a loss or disruption of normal protein function through nonsense-mediated decay (NMD) or protein truncation. Multiple pathogenic variants are reported downstream of the variant. Therefore, this variant is classified as Likely pathogenic according to the recommendation of ACMG/AMP guideline.

NM_001105247.2(ARMC5):c.1533_1576del (p.Ile515fs)

Gene: ARMC5 (armadillo repeat containing 5; plus strand). Cytogenetic location: 16p11.2.
Variant type: Deletion.
Coding change: c.1533_1576del on transcript NM_001105247.2 (MANE Select); coding-DNA positions 1533 to 1576, 44 bases deleted.
Protein change: p.Ile515fs; shifts the reading frame from isoleucine 515.
Molecular consequence: frameshift variant.
Genome position (GRCh38, 1-based): chr16:31,464,556-31,464,599, 44 bases deleted; deleting any 44 consecutive bases within chr16:31,464,550-31,464,599 gives the same sequence; the c. name uses the placement nearest the transcript's 3' end. GRCh37 (hg19): chr16:31,475,877-31,475,920.
Other names: c.1818_1861del, p.Ile610fs (NM_001288767.2); c.1629_1672del, p.Ile547fs (NM_001301820.1); c.1533_1576del, p.Ile515fs (NM_024742.2); short protein forms I515fs, I547fs, I610fs.
Identifiers: ClinVar variation 4855556 (VCV004855556.1).